The following is an entry in ClinVar:

ClinVar aggregate classification (germline): Uncertain significance (1 of 4 stars; one submission).

Submission:

GeneDx
Classification: Uncertain significance. Last evaluated: 2016-05-13. Review status: criteria provided, single submitter. Criteria: GeneDx Variant Classification (06012015). Collection method: clinical testing. Allele origin: germline. Affected: yes.
Comment: A variant of uncertain significance has been identified in the SCN2A gene. The P759T variant has not been published as a pathogenic variant, nor has it been reported as a benign variant to our knowledge. It was not observed in approximately 6,500 individuals of European and African American ancestry in an external variant database, indicating it is not a common benign variant in these populations. The P759T variant is a non-conservative amino acid substitution, which is likely to impact secondary protein structure as these residues differ in polarity, charge, size and/or other properties. Additionally, this substitution alters a conserved position predicted to be within the transmembrane segment S2 of the second homologous domain of the SCN2A protein. In silico analysis predicts this variant is probably damaging to the protein structure/function. Based on the currently available information, it is unclear whether this variant is a pathogenic variant or a rare benign variant.

NM_001040142.2(SCN2A):c.2275C>A (p.Pro759Thr)

Gene: SCN2A (sodium voltage-gated channel alpha subunit 2; plus strand). Cytogenetic location: 2q24.3.
Variant type: single nucleotide variant.
Coding change: c.2275C>A on transcript NM_001040142.2 (MANE Select); coding-DNA position 2275, C replaced by A.
Protein change: p.Pro759Thr; replaces proline 759 with threonine.
Molecular consequence: missense variant.
Genome position (GRCh38, 1-based): chr2:165,331,455, C>A. VCF-style: chr2-165331455-C-A. GRCh37 (hg19) VCF-style: chr2-166187965-C-A.
Other names: c.2275C>A, p.Pro759Thr (NM_001040143.2, NM_001371246.1, NM_001371247.1 and 1 more transcripts); short protein forms P759T.
Identifiers: ClinVar variation 449134 (VCV000449134.2), dbSNP rs1553574652, ClinGen allele CA349031097.